The following is an entry in ClinVar:

NM_020975.6(RET):c.2176C>A (p.Leu726Ile)

Gene: RET (ret proto-oncogene; plus strand). Cytogenetic location: 10q11.21.
Variant type: single nucleotide variant.
Coding change: c.2176C>A on transcript NM_020975.6 (MANE Select); coding-DNA position 2176, C replaced by A.
Protein change: p.Leu726Ile; replaces leucine 726 with isoleucine.
Molecular consequence: missense variant.
Genome position (GRCh38, 1-based): chr10:43,116,623, C>A. VCF-style: chr10-43116623-C-A. GRCh37 (hg19) VCF-style: chr10-43612071-C-A.
Other names: c.2176C>A, p.Leu726Ile (NM_000323.2, NM_001406743.1, NM_001406744.1 and 4 more transcripts); c.1414C>A, p.Leu472Ile (NM_001355216.2); c.2047C>A, p.Leu683Ile (NM_001406761.1, NM_001406762.1, NM_001406764.1); c.2041C>A, p.Leu681Ile (NM_001406763.1, NM_001406765.1); c.1888C>A, p.Leu630Ile (NM_001406766.1, NM_001406767.1, NM_001406770.1); c.1912C>A, p.Leu638Ile (NM_001406768.1); c.1780C>A, p.Leu594Ile (NM_001406769.1, NM_001406772.1); c.1738C>A, p.Leu580Ile (NM_001406771.1, NM_001406773.1); and 10 more; short protein forms L243I, L291I, L331I, L382I, L387I, L472I, L484I, L580I.
Identifiers: ClinVar variation 2568353 (VCV002568353.2), dbSNP rs1838076418, ClinGen allele CA376554347.

ClinVar aggregate classification (germline): Uncertain significance (1 of 4 stars; one submission).

Conditions:
Hereditary cancer-predisposing syndrome. Also called: Hereditary neoplastic syndrome; Hereditary Cancer Syndrome; Neoplastic Syndromes, Hereditary; Tumor predisposition. Identifiers: Orphanet 140162, MedGen C0027672, MeSH D009386, MONDO:0015356.

Submission:

Ambry Genetics
Classification: Uncertain significance for Hereditary cancer-predisposing syndrome. Last evaluated: 2023-05-01. Review status: criteria provided, single submitter. Criteria: Ambry Variant Classification Scheme 2023. Collection method: clinical testing. Allele origin: germline.
Comment: The p.L726I variant (also known as c.2176C>A), located in coding exon 12 of the RET gene, results from a C to A substitution at nucleotide position 2176. The leucine at codon 726 is replaced by isoleucine, an amino acid with highly similar properties. This amino acid position is conserved. In addition, the in silico prediction for this alteration is inconclusive. Since supporting evidence is limited at this time, the clinical significance of this alteration remains unclear.